The following is an entry in ClinVar:

NM_000218.3(KCNQ1):c.925A>T (p.Thr309Ser)

Gene: KCNQ1 (potassium voltage-gated channel subfamily Q member 1; plus strand). Cytogenetic location: 11p15.5.
Variant type: single nucleotide variant.
Coding change: c.925A>T on transcript NM_000218.3 (MANE Select); coding-DNA position 925, A replaced by T.
Protein change: p.Thr309Ser; replaces threonine 309 with serine.
Molecular consequence: missense variant.
Genome position (GRCh38, 1-based): chr11:2,583,438, A>T. VCF-style: chr11-2583438-A-T. GRCh37 (hg19) VCF-style: chr11-2604668-A-T.
Other names: c.925A>T (LRG_287t1); c.925A>T, p.Thr309Ser (NM_001406836.1); c.655A>T, p.Thr219Ser (NM_001406837.1); c.481A>T, p.Thr161Ser (NM_001406838.1); c.544A>T, p.Thr182Ser (NM_181798.2); short protein forms T309S, T182S, T219S, T161S.
Identifiers: ClinVar variation 68483 (VCV000068483.3), dbSNP rs199473468, ClinGen allele CA008706.

ClinVar aggregate classification (germline): not provided (0 of 4 stars; one submission).

Conditions:
Familial long QT syndrome (RWS). Also called: Congenital long QT syndrome; Romano-Ward syndrome; VENTRICULAR FIBRILLATION WITH PROLONGED QT INTERVAL. Identifiers: Orphanet 768, MedGen C1141890, MONDO:0019171.

Submission:

Cardiovascular Biomedical Research Unit, Royal Brompton & Harefield NHS Foundation Trust
No classification provided. Condition: Familial long QT syndrome. Review status: no classification provided. Collection method: literature only. Allele origin: germline.
Comment: This variant has been reported as associated with Long QT syndrome in the following publications (PMID:11668638). This is a literature report, and does not necessarily reflect the clinical interpretation of the Imperial College / Royal Brompton Cardiovascular Genetics laboratory.

Literature cited by the submitters: PubMed 11668638; PubMed 22581653.